The following is an entry in ClinVar:

ClinVar aggregate classification (germline): Uncertain significance (1 of 4 stars; one submission).

Conditions:
Hereditary cancer-predisposing syndrome. Also called: Neoplastic Syndromes, Hereditary; Tumor predisposition; Hereditary neoplastic syndrome; Hereditary Cancer Syndrome. Identifiers: Orphanet 140162, MedGen C0027672, MeSH D009386, MONDO:0015356.

Submission:

Ambry Genetics
Classification: Uncertain significance for Hereditary cancer-predisposing syndrome. Last evaluated: 2026-08-24. Review status: criteria provided, single submitter. Criteria: Ambry Variant Classification Scheme 2023. Collection method: clinical testing. Allele origin: germline.
Comment: The p.L289P variant (also known as c.866T>C), located in coding exon 6 of the RAD50 gene, results from a T to C substitution at nucleotide position 866. The leucine at codon 289 is replaced by proline, an amino acid with similar properties. This amino acid position is conserved. In addition, the in silico prediction for this alteration is inconclusive. Based on the available evidence, the clinical significance of this variant remains unclear.

NM_005732.4(RAD50):c.866T>C (p.Leu289Pro)

Gene: RAD50 (RAD50 double strand break repair protein; plus strand). Cytogenetic location: 5q31.1.
Variant type: single nucleotide variant.
Coding change: c.866T>C on transcript NM_005732.4 (MANE Select); coding-DNA position 866, T replaced by C.
Protein change: p.Leu289Pro; replaces leucine 289 with proline.
Molecular consequence: missense variant.
Genome position (GRCh38, 1-based): chr5:132,587,671, T>C. VCF-style: chr5-132587671-T-C. GRCh37 (hg19) VCF-style: chr5-131923363-T-C.
Other names: short protein forms L289P.
Identifiers: ClinVar variation 5027736 (VCV005027736.1).
Genomic context (GRCh38, chr5:132,587,671, plus strand): 5'-ACAATGAAATTAAAGCCTTGGATAGCCGAAAGAAGCAAATGGAGAAAGATAATAGTGAAC[T>C]GGAAGAGAAAATGGAAAAGGTTTGTGGTGGTAGAATTTTGTTCTGCTTCAAAATTTTGGG-3'
Protein context (NP_005723.2, residues 279-299): KKQMEKDNSE[Leu289Pro]EEKMEKVFQG